The following is an entry in ClinVar:

NM_005529.7(HSPG2):c.931G>C (p.Glu311Gln)

Gene: HSPG2 (heparan sulfate proteoglycan 2; minus strand). Cytogenetic location: 1p36.12.
Variant type: single nucleotide variant.
Coding change: c.931G>C on transcript NM_005529.7 (MANE Select); coding-DNA position 931, G replaced by C.
Protein change: p.Glu311Gln; replaces glutamic acid 311 with glutamine.
Molecular consequence: missense variant.
Genome position (GRCh38, 1-based): chr1:21,887,447, C>G on the plus strand (G>C on the coding strand, the complement: HSPG2 is on the minus strand). VCF-style: chr1-21887447-C-G. GRCh37 (hg19) VCF-style: chr1-22213940-C-G.
Other names: c.931G>C, p.Glu311Gln (NM_001291860.2); short protein forms E311Q.
Identifiers: ClinVar variation 447567 (VCV000447567.13), dbSNP rs200992640, ClinGen allele CA673658.

ClinVar aggregate classification (germline): Uncertain significance. Review status: criteria provided, multiple submitters, no conflicts (2 of 4 stars). 7 submissions from 6 submitters: Uncertain significance (7). Last evaluated 2026-01-04.

Conditions:
Lethal Kniest-like syndrome (DDSH). Also called: Dyssegmental Dysplasia. Identifiers: Orphanet 1865, MedGen C1857100, MONDO:0009140, OMIM 224410.
Schwartz-Jampel syndrome type 1 (SJS1). Also called: MYOTONIC MYOPATHY, DWARFISM, CHONDRODYSTROPHY, AND OCULAR AND FACIAL ABNORMALITIES; CHONDRODYSTROPHIC MYOTONIA. Identifiers: MedGen C4551479, MONDO:0100435, OMIM 255800.
Inborn genetic diseases. Identifiers: MedGen C0950123, MeSH D030342.
Schwartz-Jampel syndrome. Also called: Myotonic myopathy dwarfism chondrodystrophy and ocular and facial abnormalities. Identifiers: Orphanet 800, MedGen C0036391, MONDO:0009717.

Allele frequency attached by ClinVar (database versions not stated): ESP Exome Variant Server 0.00015; TOPMed 0.00022; gnomAD 0.00035.
gnomAD v4.1: 391 of 1,613,966 alleles (0.024%); highest among the groups gnomAD compares: Non-Finnish European, 0.032%; 1 homozygote.

Submissions (7):

Labcorp Genetics (formerly Invitae), Labcorp
Classification: Uncertain significance. Last evaluated: 2026-01-04. Review status: criteria provided, single submitter. Criteria: Invitae Variant Classification Sherloc (09022015). Collection method: clinical testing. Allele origin: germline.
Comment: This sequence change replaces glutamic acid, which is acidic and polar, with glutamine, which is neutral and polar, at codon 311 of the HSPG2 protein (p.Glu311Gln). This variant is present in population databases (rs200992640, gnomAD 0.03%). This variant has not been reported in the literature in individuals affected with HSPG2-related conditions. ClinVar contains an entry for this variant (Variation ID: 447567). An algorithm developed to predict the effect of missense changes on protein structure and function (PolyPhen-2) suggests that this variant is likely to be tolerated. In summary, the available evidence is currently insufficient to determine the role of this variant in disease. Therefore, it has been classified as a Variant of Uncertain Significance.

Department of Pathology and Laboratory Medicine, Sinai Health System
Classification: Uncertain significance for Lethal Kniest-like syndrome; Schwartz-Jampel syndrome type 1. Last evaluated: 2022-11-01. Review status: criteria provided, single submitter. Criteria: ACMG Guidelines, 2015. Collection method: research. Allele origin: germline.

Ambry Genetics
Classification: Uncertain significance for Inborn genetic diseases. Last evaluated: 2021-08-12. Review status: criteria provided, single submitter. Criteria: Ambry Variant Classification Scheme 2023. Collection method: clinical testing. Allele origin: germline.

Revvity Omics, Revvity
Classification: Uncertain significance. Last evaluated: 2020-02-29. Review status: criteria provided, single submitter. Criteria: ACMG Guidelines, 2015. Collection method: clinical testing. Allele origin: germline.

Illumina Laboratory Services, Illumina
Classification: Uncertain significance for Schwartz-Jampel syndrome type 1. Last evaluated: 2018-01-13. Review status: criteria provided, single submitter. Criteria: ICSL Variant Classification Criteria 13 December 2019. Collection method: clinical testing. Allele origin: germline.

Illumina Laboratory Services, Illumina
Classification: Uncertain significance for Lethal Kniest-like syndrome. Last evaluated: 2018-01-13. Review status: criteria provided, single submitter. Criteria: ICSL Variant Classification Criteria 13 December 2019. Collection method: clinical testing. Allele origin: germline.

Athena Diagnostics
Classification: Uncertain significance. Last evaluated: 2016-12-28. Review status: criteria provided, single submitter. Criteria: Athena Diagnostics Criteria. Collection method: clinical testing. Allele origin: germline.